The following is an entry in ClinVar:

ClinVar aggregate classification (germline): Uncertain significance (0 of 4 stars; one submission).

Conditions:
LRRC32-related disorder. Also called: LRRC32-related condition.

Allele frequency attached by ClinVar (database versions not stated): ExAC 0.00008; gnomAD 0.00013; ESP Exome Variant Server 0.00031; TOPMed 0.00016.
gnomAD v4.1: 58 of 1,574,972 alleles (0.0037%); highest among the groups gnomAD compares: African/African-American, 0.034%; no homozygotes.

Submission:

PreventionGenetics, part of Exact Sciences
Classification: Uncertain significance for LRRC32-related condition. Last evaluated: 2023-11-06. Review status: no assertion criteria provided. Collection method: clinical testing. Allele origin: germline.
Comment: The LRRC32 c.1337G>A variant is predicted to result in the amino acid substitution p.Arg446His. To our knowledge, this variant has not been reported in the literature. This variant is reported in 0.041% of alleles in individuals of African descent in gnomAD. At this time, the clinical significance of this variant is uncertain due to the absence of conclusive functional and genetic evidence.

NM_001128922.2(LRRC32):c.1337G>A (p.Arg446His)

Genes: LRRC32 (leucine rich repeat containing 32; minus strand), LRRC32-AS1 (LRRC32 antisense RNA 1; plus strand). Cytogenetic location: 11q13.5.
Variant type: single nucleotide variant.
Coding change: c.1337G>A on transcript NM_001128922.2 (MANE Select); coding-DNA position 1337, G replaced by A.
Protein change: p.Arg446His; replaces arginine 446 with histidine.
Molecular consequence: missense variant. On other transcripts: non-coding transcript variant (1), intron variant (1).
Genome position (GRCh38, 1-based): chr11:76,660,256, C>T on the plus strand (G>A on the coding strand, the complement: LRRC32 is on the minus strand). VCF-style: chr11-76660256-C-T. GRCh37 (hg19) VCF-style: chr11-76371300-C-T.
Other names: c.1337G>A, p.Arg446His (NM_001370187.1, NM_001370188.1, NM_005512.3); c.1271G>A, p.Arg424His (NM_001370189.1); c.1007G>A, p.Arg336His (NM_001370190.1); c.85-2222G>A (NM_001370191.1); short protein forms R336H, R424H, R446H.
Identifiers: ClinVar variation 3053985 (VCV003053985.2), dbSNP rs145077681, ClinGen allele CA6194631.
Genomic context (GRCh38, chr11:76,660,256, plus strand): 5'-GTGTGGAGGAAGGCCCCTGCCCTGAGCAGCTCTATCTCATTATCCACCAGGCTCAGGCTG[C>T]GGAGGGAGGTGATGCCGGAGAAGGCCACACAGCCGGAGGGGCCAGGCTCATCTGGCCCCC-3'
Protein context (NP_001122394.1, residues 436-456): CVAFSGITSL[Arg446His]SLSLVDNEIE